The following is an entry in ClinVar:

ClinVar aggregate classification (germline): Uncertain significance (1 of 4 stars; one submission).

Conditions:
Hereditary cancer-predisposing syndrome. Also called: Hereditary Cancer Syndrome; Hereditary neoplastic syndrome; Tumor predisposition; Neoplastic Syndromes, Hereditary. Identifiers: Orphanet 140162, MedGen C0027672, MeSH D009386, MONDO:0015356.

Allele frequency attached by ClinVar (database versions not stated): gnomAD exomes below 0.00001.
gnomAD v4.1: 1 of 1,614,020 alleles (0.000062%); highest among the groups gnomAD compares: East Asian, 0.0022%; no homozygotes.

Submission:

Ambry Genetics
Classification: Uncertain significance for Hereditary cancer-predisposing syndrome. Last evaluated: 2025-01-07. Review status: criteria provided, single submitter. Criteria: Ambry Variant Classification Scheme 2023. Collection method: clinical testing. Allele origin: germline.
Comment: The p.T835I variant (also known as c.2504C>T), located in coding exon 10 of the MET gene, results from a C to T substitution at nucleotide position 2504. The threonine at codon 835 is replaced by isoleucine, an amino acid with similar properties. This amino acid position is highly conserved in available vertebrate species. In addition, the in silico prediction for this alteration is inconclusive. Based on the available evidence, the clinical significance of this variant remains unclear.

NM_000245.4(MET):c.2450C>T (p.Thr817Ile)

Gene: MET (MET proto-oncogene, receptor tyrosine kinase; plus strand). Cytogenetic location: 7q31.2.
Variant type: single nucleotide variant.
Coding change: c.2450C>T on transcript NM_000245.4 (MANE Select); coding-DNA position 2450, C replaced by T.
Protein change: p.Thr817Ile; replaces threonine 817 with isoleucine.
Molecular consequence: missense variant.
Genome position (GRCh38, 1-based): chr7:116,763,135, C>T. VCF-style: chr7-116763135-C-T. GRCh37 (hg19) VCF-style: chr7-116403189-C-T.
Other names: c.2504C>T, p.Thr835Ile (NM_001127500.3); c.2450C>T, p.Thr817Ile (NM_001324401.3); c.1160C>T, p.Thr387Ile (NM_001324402.2); short protein forms T817I, T835I, T387I.
Identifiers: ClinVar variation 1792293 (VCV001792293.3), dbSNP rs2116955293, ClinGen allele CA368983244.